The following is an entry in ClinVar:

ClinVar aggregate classification (germline): Conflicting classifications of pathogenicity. Review status: criteria provided, conflicting classifications (1 of 4 stars). 5 submissions from 5 submitters: Uncertain significance (4); Likely benign (1). Last evaluated 2026-01-17.

Conditions:
SLC11A2-related disorder. Also called: SLC11A2-related condition.
Microcytic anemia with liver iron overload. Also called: Anemia, hypochromic microcytic, with iron overload 1. Identifiers: Orphanet 83642, MedGen C3806153, MONDO:0008787, OMIM 206100.

Allele frequency attached by ClinVar (database versions not stated): TOPMed 0.00027; ESP Exome Variant Server 0.00031; gnomAD 0.00031 and 0.00040; ExAC 0.00052; gnomAD exomes 0.00056 and 0.00064; 1000 Genomes Project 0.00060; 1000 Genomes Project 30x 0.00062.
gnomAD v4.1: 975 of 1,614,012 alleles (0.06%); highest among the groups gnomAD compares: South Asian, 0.29%; 4 homozygotes.

Submissions (5):

Labcorp Genetics (formerly Invitae), Labcorp
Classification: Likely benign. Last evaluated: 2026-01-17. Review status: criteria provided, single submitter. Criteria: Invitae Variant Classification Sherloc (09022015). Collection method: clinical testing. Allele origin: germline.

CeGaT Center for Human Genetics Tuebingen
Classification: Uncertain significance. Last evaluated: 2024-12-01. Review status: criteria provided, single submitter. Criteria: CeGaT Center For Human Genetics Tuebingen Variant Classification Criteria Version 2. Collection method: clinical testing. Allele origin: germline. Affected: yes. Observed: 1 variant allele.

PreventionGenetics, part of Exact Sciences
Classification: Uncertain significance for SLC11A2-related condition. Last evaluated: 2023-06-05. Review status: criteria provided, single submitter. Criteria: ACMG Guidelines, 2015. Collection method: clinical testing. Allele origin: germline.
Comment: The SLC11A2 c.1258A>G variant is predicted to result in the amino acid substitution p.Ile420Val. To our knowledge, this variant has not been reported in the literature. This variant is reported in 0.26% of alleles in individuals of South Asian descent in gnomAD, which is more common than expected for a primary cause of disease. Although we suspect that this variant may be benign, at this time, the clinical significance of this variant is uncertain due to the absence of conclusive functional and genetic evidence.

Department of Pathology and Laboratory Medicine, Sinai Health System
Classification: Uncertain significance for Microcytic anemia with liver iron overload. Last evaluated: 2023-02-27. Review status: criteria provided, single submitter. Criteria: ACMG Guidelines, 2015. Collection method: research. Allele origin: germline.

Illumina Laboratory Services, Illumina
Classification: Uncertain significance for Microcytic anemia with liver iron overload. Last evaluated: 2018-01-12. Review status: criteria provided, single submitter. Criteria: ICSL Variant Classification Criteria 13 December 2019. Collection method: clinical testing. Allele origin: germline.

NM_000617.3(SLC11A2):c.1258A>G (p.Ile420Val)

Gene: SLC11A2 (solute carrier family 11 member 2; minus strand). Cytogenetic location: 12q13.12.
Variant type: single nucleotide variant.
Coding change: c.1258A>G on transcript NM_000617.3 (MANE Select); coding-DNA position 1258, A replaced by G.
Protein change: p.Ile420Val; replaces isoleucine 420 with valine.
Molecular consequence: missense variant. On other transcripts: non-coding transcript variant (5).
Genome position (GRCh38, 1-based): chr12:50,992,279, T>C on the plus strand (A>G on the coding strand, the complement: SLC11A2 is on the minus strand). VCF-style: chr12-50992279-T-C. GRCh37 (hg19) VCF-style: chr12-51386062-T-C.
Other names: c.1345A>G, p.Ile449Val (NM_001174125.2, NM_001379446.1, NM_001379455.1); c.1258A>G, p.Ile420Val (NM_001174126.2, NM_001174127.2, NM_001174128.2 and 5 more transcripts); c.1246A>G, p.Ile416Val (NM_001174130.2, NM_001379448.1); c.1147A>G, p.Ile383Val (NM_001414747.1, NM_001414748.1); c.1021A>G, p.Ile341Val (NM_001414749.1, NM_001414750.1); short protein forms I420V, I449V, I416V, I341V, I383V.
Identifiers: ClinVar variation 309311 (VCV000309311.21), dbSNP rs148582995, ClinGen allele CA6566525.